The following is an entry in ClinVar:

NM_024753.5(TTC21B):c.3702T>G (p.Tyr1234Ter)

Gene: TTC21B (tetratricopeptide repeat domain 21B; minus strand). Cytogenetic location: 2q24.3.
Variant type: single nucleotide variant.
Coding change: c.3702T>G on transcript NM_024753.5 (MANE Select); coding-DNA position 3702, T replaced by G.
Protein change: p.Tyr1234Ter; replaces tyrosine 1234 with a stop codon.
Molecular consequence: nonsense.
Genome position (GRCh38, 1-based): chr2:165,880,782, A>C on the plus strand (T>G on the coding strand, the complement: TTC21B is on the minus strand). VCF-style: chr2-165880782-A-C. GRCh37 (hg19) VCF-style: chr2-166737292-A-C.
Other names: short protein forms Y1234*.
Identifiers: ClinVar variation 2927757 (VCV002927757.4), dbSNP rs376746146, ClinGen allele CA349046041.

ClinVar aggregate classification (germline): Pathogenic/Likely pathogenic. Review status: criteria provided, multiple submitters, no conflicts (2 of 4 stars). 2 submissions from 2 submitters: Pathogenic (1); Likely pathogenic (1). Last evaluated 2023-03-01.

Conditions:
Jeune thoracic dystrophy. Also called: Infantile thoracic dystrophy; Thoracic pelvic phalangeal dystrophy; Jeune's syndrome; Chondroectodermal dysplasia-like syndrome; Jeune syndrome; Short-rib thoracic dysplasia. Identifiers: Orphanet 474, MedGen C0265275, MONDO:0018770.
Nephronophthisis. Also called: Juvenile Nephronophthisis. Identifiers: Orphanet 655, MedGen C0687120, MONDO:0019005, HP:0000090.
TTC21B-related disorder. Also called: TTC21B-related disorders; TTC21B-related condition.

gnomAD v4.1: 1 of 1,612,774 alleles (0.000062%); highest among the groups gnomAD compares: Non-Finnish European, 0.000085%; no homozygotes.

Submissions (2):

Labcorp Genetics (formerly Invitae), Labcorp
Classification: Pathogenic for Jeune thoracic dystrophy; Nephronophthisis. Last evaluated: 2023-03-01. Review status: criteria provided, single submitter. Criteria: Invitae Variant Classification Sherloc (09022015). Collection method: clinical testing. Allele origin: germline.
Comment: This sequence change creates a premature translational stop signal (p.Tyr1234*) in the TTC21B gene. It is expected to result in an absent or disrupted protein product. Loss-of-function variants in TTC21B are known to be pathogenic (PMID: 18327258, 21068128, 21258341, 23559409, 24876116, 25492405, 27491411, 29068549). For these reasons, this variant has been classified as Pathogenic. This variant has not been reported in the literature in individuals affected with TTC21B-related conditions. This variant is not present in population databases (gnomAD no frequency).

Blueprint Genetics
Classification: Likely pathogenic for TTC21B-related disorders. Last evaluated: 2018-12-17. Review status: criteria provided, single submitter. Criteria: ACMG Guidelines, 2015. Collection method: clinical testing. Allele origin: germline. Affected: yes. Observed: 1 variant allele.

Literature cited by the submitters: PubMed 18327258 (cited by Labcorp Genetics (formerly Invitae), Labcorp); PubMed 21068128 (cited by Labcorp Genetics (formerly Invitae), Labcorp); PubMed 21258341 (cited by Labcorp Genetics (formerly Invitae), Labcorp); PubMed 23559409 (cited by Labcorp Genetics (formerly Invitae), Labcorp); PubMed 24876116 (cited by Labcorp Genetics (formerly Invitae), Labcorp); PubMed 25492405 (cited by Labcorp Genetics (formerly Invitae), Labcorp); PubMed 27491411 (cited by Labcorp Genetics (formerly Invitae), Labcorp); PubMed 29068549 (cited by Labcorp Genetics (formerly Invitae), Labcorp).